The following is an entry in ClinVar:

ClinVar aggregate classification (germline): Uncertain significance. Review status: criteria provided, multiple submitters, no conflicts (2 of 4 stars). 5 submissions from 5 submitters: Uncertain significance (5). Last evaluated 2024-10-01.

Conditions:
Congenital multicore myopathy with external ophthalmoplegia (CMYO1B). Also called: MULTIMINICORE DISEASE WITH EXTERNAL OPHTHALMOPLEGIA; MULTICORE MYOPATHY; Minicore myopathy with external ophthalmoplegia; Congenital myopathy 1B, autosomal recessive; Minicore myopathy. Identifiers: Orphanet 598, Orphanet 98905, MedGen C1850674, MONDO:0009712, OMIM 255320, HP:0003789.
King Denborough syndrome (KDS). Identifiers: MedGen C1840365, MONDO:0020485, OMIM 619542.
Central core myopathy (CMYO1A). Also called: CONGENITAL MYOPATHY 1A, AUTOSOMAL DOMINANT, WITH SUSCEPTIBILITY TO MALIGNANT HYPERTHERMIA; Central core disease; Myopathy, central fibrillar. Identifiers: Orphanet 597, MedGen C5830701, MONDO:0007294, OMIM 117000.
Malignant hyperthermia, susceptibility to, 1 (MHS1). Also called: RYR1-Related Malignant Hyperthermia Susceptibility; Anesthesia related hyperthermia; Malignant hyperpyrexia; Fulminating hyperpyrexia; Pharmacogenic myopathy; Malignant hyperthermia suceptibility 1. Identifiers: Orphanet 423, MedGen C2930980, MONDO:0007783, OMIM 145600.
Congenital myopathy with fiber type disproportion. Also called: Congenital fiber-type disproportion myopathy; Congenital fiber-type disproportion. Identifiers: Orphanet 2020, MedGen C0546264, MONDO:0009711. Inheritance: all.
RYR1-related disorder. Also called: RYR1-related condition; RYR1-related disorders. Identifiers: MedGen CN239331.

Allele frequency attached by ClinVar (database versions not stated): gnomAD below 0.00001 and 0.00001; gnomAD exomes below 0.00001; TOPMed below 0.00001.
gnomAD v4.1: 6 of 1,613,876 alleles (0.00037%); highest among the groups gnomAD compares: South Asian, 0.0011%; no homozygotes.

Submissions (5):

CeGaT Center for Human Genetics Tuebingen
Classification: Uncertain significance. Last evaluated: 2024-10-01. Review status: criteria provided, single submitter. Criteria: CeGaT Center For Human Genetics Tuebingen Variant Classification Criteria Version 2. Collection method: clinical testing. Allele origin: germline. Affected: yes. Observed: 1 variant allele.
Comment: RYR1: PM2

Color Diagnostics, LLC DBA Color Health
Classification: Uncertain significance for Malignant hyperthermia, susceptibility to, 1. Last evaluated: 2024-03-06. Review status: criteria provided, single submitter. Criteria: ACMG Guidelines, 2015. Collection method: clinical testing. Allele origin: germline.
Comment: This missense variant replaces glycine with aspartic acid at codon 4539 of the RYR1 protein. Computational prediction suggests that this variant may not impact protein structure and function (internally defined REVEL score threshold <= 0.5, PMID: 27666373). To our knowledge, functional studies have not been reported for this variant. This variant has not been reported in individuals affected with RYR1-related disorders in the literature. This variant has not been identified in the general population by the Genome Aggregation Database (gnomAD). The available evidence is insufficient to determine the role of this variant in disease conclusively. Therefore, this variant is classified as a Variant of Uncertain Significance.

All of Us Research Program, National Institutes of Health
Classification: Uncertain significance for Malignant hyperthermia, susceptibility to, 1. Last evaluated: 2023-04-27. Review status: criteria provided, single submitter. Criteria: ACMG Guidelines, 2015. Collection method: clinical testing. Allele origin: germline. Inheritance: Autosomal dominant inheritance. Observed: 2 variant alleles, 2 heterozygotes.
Comment: This study involves interpretation of variants in research participants for the purpose of population health screening. Participant phenotype was not available at the time of variant classification. Additional details can be found in publication PMID: 35346344, PMCID: PMC8962531

Fulgent Genetics
Classification: Uncertain significance for Central core myopathy; Malignant hyperthermia, susceptibility to, 1; Congenital myopathy 4A, autosomal dominant; Congenital multicore myopathy with external ophthalmoplegia; King Denborough syndrome. Last evaluated: 2021-09-01. Review status: criteria provided, single submitter. Criteria: ACMG Guidelines, 2015. Collection method: clinical testing. Allele origin: unknown.

Labcorp Genetics (formerly Invitae), Labcorp
Classification: Uncertain significance for RYR1-related disorder. Last evaluated: 2021-08-27. Review status: criteria provided, single submitter. Criteria: Invitae Variant Classification Sherloc (09022015). Collection method: clinical testing. Allele origin: germline.
Comment: This sequence change replaces glycine with aspartic acid at codon 4539 of the RYR1 protein (p.Gly4539Asp). The glycine residue is moderately conserved and there is a moderate physicochemical difference between glycine and aspartic acid. This variant is not present in population databases (ExAC no frequency). This variant has not been reported in the literature in individuals affected with RYR1-related conditions. Algorithms developed to predict the effect of missense changes on protein structure and function are either unavailable or do not agree on the potential impact of this missense change (SIFT: "Deleterious"; PolyPhen-2: "Not Available"; Align-GVGD: "Class C0"). In summary, the available evidence is currently insufficient to determine the role of this variant in disease. Therefore, it has been classified as a Variant of Uncertain Significance.

NM_000540.3(RYR1):c.13616G>A (p.Gly4539Asp)

Gene: RYR1 (ryanodine receptor 1; plus strand). Cytogenetic location: 19q13.2.
Variant type: single nucleotide variant.
Coding change: c.13616G>A on transcript NM_000540.3 (MANE Select); coding-DNA position 13616, G replaced by A.
Protein change: p.Gly4539Asp; replaces glycine 4539 with aspartic acid.
Molecular consequence: missense variant.
Genome position (GRCh38, 1-based): chr19:38,567,874, G>A. VCF-style: chr19-38567874-G-A. GRCh37 (hg19) VCF-style: chr19-39058514-G-A.
Other names: c.13601G>A, p.Gly4534Asp (NM_001042723.2); short protein forms G4534D, G4539D.
Identifiers: ClinVar variation 656788 (VCV000656788.24), dbSNP rs1599641292, ClinGen allele CA405678008.